The following is an entry in ClinVar:

ClinVar aggregate classification (germline): Uncertain significance (1 of 4 stars; one submission).

Conditions:
Familial episodic pain syndrome with predominantly lower limb involvement. Also called: Episodic pain syndrome, familial, 3. Identifiers: Orphanet 391384, Orphanet 391392, MedGen C3809899, MONDO:0014247, OMIM 615552.
Hereditary sensory and autonomic neuropathy type 7. Also called: HSAN VII; Neuropathy, hereditary sensory and autonomic, type VII. Identifiers: Orphanet 391397, MedGen C3809882, MONDO:0014244, OMIM 615548.

Allele frequency attached by ClinVar (database versions not stated): gnomAD exomes 0.00001; ExAC 0.00002.
gnomAD v4.1: 17 of 1,613,670 alleles (0.0011%); highest among the groups gnomAD compares: Non-Finnish European, 0.0014%; no homozygotes.

Submission:

Labcorp Genetics (formerly Invitae), Labcorp
Classification: Uncertain significance for Familial episodic pain syndrome with predominantly lower limb involvement; Hereditary sensory and autonomic neuropathy type 7. Last evaluated: 2024-02-14. Review status: criteria provided, single submitter. Criteria: Invitae Variant Classification Sherloc (09022015). Collection method: clinical testing. Allele origin: germline.
Comment: This sequence change replaces isoleucine, which is neutral and non-polar, with serine, which is neutral and polar, at codon 333 of the SCN11A protein (p.Ile333Ser). This variant is present in population databases (rs772157846, gnomAD 0.003%). This variant has not been reported in the literature in individuals affected with SCN11A-related conditions. ClinVar contains an entry for this variant (Variation ID: 957461). Advanced modeling of protein sequence and biophysical properties (such as structural, functional, and spatial information, amino acid conservation, physicochemical variation, residue mobility, and thermodynamic stability) performed at Invitae indicates that this missense variant is not expected to disrupt SCN11A protein function with a negative predictive value of 80%. In summary, the available evidence is currently insufficient to determine the role of this variant in disease. Therefore, it has been classified as a Variant of Uncertain Significance.

NM_001349253.2(SCN11A):c.998T>G (p.Ile333Ser)

Gene: SCN11A (sodium voltage-gated channel alpha subunit 11; minus strand). Cytogenetic location: 3p22.2.
Variant type: single nucleotide variant.
Coding change: c.998T>G on transcript NM_001349253.2 (MANE Select); coding-DNA position 998, T replaced by G.
Protein change: p.Ile333Ser; replaces isoleucine 333 with serine.
Molecular consequence: missense variant.
Genome position (GRCh38, 1-based): chr3:38,910,169, A>C on the plus strand (T>G on the coding strand, the complement: SCN11A is on the minus strand). VCF-style: chr3-38910169-A-C. GRCh37 (hg19) VCF-style: chr3-38951660-A-C.
Other names: c.998T>G, p.Ile333Ser (NM_014139.3); short protein forms I333S.
Identifiers: ClinVar variation 957461 (VCV000957461.6), dbSNP rs772157846, ClinGen allele CA2322424.